The following is an entry in ClinVar:

ClinVar aggregate classification (germline): Uncertain significance (1 of 4 stars; one submission).

Conditions:
Frasier syndrome. Identifiers: Orphanet 347, MedGen C0950122, MeSH D052159, MONDO:0007635, OMIM 136680.
Drash syndrome (DDS). Also called: NEPHROPATHY, WILMS TUMOR, AND GENITAL ANOMALIES; WILMS TUMOR AND PSEUDO- OR TRUE HERMAPHRODITISM. Identifiers: Orphanet 220, MedGen C0950121, MONDO:0008682, OMIM 194080.
Wilms tumor 1 (WT1). Also called: Wilms tumor, somatic. Identifiers: Orphanet 654, MedGen CN033288, MONDO:0008679, OMIM 194070.
11p partial monosomy syndrome (WAGR). Also called: WAGR Spectrum Disorder; CHROMOSOME 11p13 DELETION SYNDROME; WAGR syndrome; WAGR Complex. Identifiers: Orphanet 893, MedGen C0206115, MONDO:0008681, OMIM 194072.

Submission:

Labcorp Genetics (formerly Invitae), Labcorp
Classification: Uncertain significance for Wilms tumor 1; Drash syndrome; 11p partial monosomy syndrome; Frasier syndrome. Last evaluated: 2023-08-24. Review status: criteria provided, single submitter. Criteria: Invitae Variant Classification Sherloc (09022015). Collection method: clinical testing. Allele origin: germline.
Comment: An algorithm developed to predict the effect of missense changes on protein structure and function (PolyPhen-2) suggests that this variant is likely to be disruptive. In summary, the available evidence is currently insufficient to determine the role of this variant in disease. Therefore, it has been classified as a Variant of Uncertain Significance. This variant has not been reported in the literature in individuals affected with WT1-related conditions. This variant is not present in population databases (gnomAD no frequency). This sequence change replaces threonine, which is neutral and polar, with isoleucine, which is neutral and non-polar, at codon 298 of the WT1 protein (p.Thr298Ile).

NM_024426.6(WT1):c.908C>T (p.Thr303Ile)

Gene: WT1 (WT1 transcription factor; minus strand). Cytogenetic location: 11p13.
Variant type: single nucleotide variant.
Coding change: c.908C>T on transcript NM_024426.6 (MANE Select); coding-DNA position 908, C replaced by T.
Protein change: p.Thr303Ile; replaces threonine 303 with isoleucine.
Molecular consequence: missense variant. On other transcripts: non-coding transcript variant (2).
Genome position (GRCh38, 1-based): chr11:32,417,634, G>A on the plus strand (C>T on the coding strand, the complement: WT1 is on the minus strand). VCF-style: chr11-32417634-G-A. GRCh37 (hg19) VCF-style: chr11-32439180-G-A.
Other names: c.908C>T, p.Thr303Ile (NM_000378.6, NM_001407044.1, NM_001407045.1 and 4 more transcripts); c.257C>T, p.Thr86Ile (NM_001198551.2, NM_001198552.2); c.785C>T, p.Thr262Ile (NM_001407047.1, NM_001407050.1); c.146C>T, p.Thr49Ile (NM_001407051.1); c.893C>T, p.Thr298Ile (NM_024425.2); short protein forms T303I, T262I, T298I, T86I, T49I.
Identifiers: ClinVar variation 2946654 (VCV002946654.3), dbSNP rs1852719405, ClinGen allele CA379962176.